The following is an entry in ClinVar:

ClinVar aggregate classification (germline): Likely benign. Review status: criteria provided, multiple submitters, no conflicts (2 of 4 stars). 2 submissions from 2 submitters: Likely benign (2). Last evaluated 2018-06-19.

Allele frequency attached by ClinVar (database versions not stated): 1000 Genomes Project 30x 0.00687; 1000 Genomes Project 0.00719; TOPMed 0.01752; gnomAD 0.01868 and 0.01927; gnomAD exomes 0.02615.
gnomAD v4.1: 29,377 of 1,172,138 alleles (2.5%); highest among the groups gnomAD compares: Non-Finnish European, 3.1%; 461 homozygotes.

Submissions (2):

GeneDx
Classification: Likely benign. Last evaluated: 2018-06-19. Review status: criteria provided, single submitter. Criteria: GeneDx Variant Classification (06012015). Collection method: clinical testing. Allele origin: germline. Affected: yes.
Comment: This variant is considered likely benign or benign based on one or more of the following criteria: it is a conservative change, it occurs at a poorly conserved position in the protein, it is predicted to be benign by multiple in silico algorithms, and/or has population frequency not consistent with disease.

Breakthrough Genomics
Classification: Likely benign. Review status: criteria provided, single submitter. Criteria: ACMG Guidelines, 2015. Collection method: not provided. Allele origin: germline. Inheritance: Autosomal dominant inheritance. Affected: yes.

NM_001127222.2(CACNA1A):c.5732-75A>G

Gene: CACNA1A (calcium voltage-gated channel subunit alpha1 A; minus strand). Cytogenetic location: 19p13.13.
Variant type: single nucleotide variant.
Coding change: c.5732-75A>G on transcript NM_001127222.2 (MANE Select); 75 bases into the intron before coding-DNA position 5732, A replaced by G.
Molecular consequence: intron variant.
Genome position (GRCh38, 1-based): chr19:13,214,683, T>C on the plus strand (A>G on the coding strand, the complement: CACNA1A is on the minus strand). VCF-style: chr19-13214683-T-C. GRCh37 (hg19) VCF-style: chr19-13325497-T-C.
Other names: c.5735-75A>G (NM_001127221.2); c.5741-75A>G (NM_001174080.2); c.5750-75A>G (NM_000068.4, NM_023035.3).
Identifiers: ClinVar variation 672378 (VCV000672378.2), dbSNP rs80216489, ClinGen allele CA305552665.